The following is an entry in ClinVar:

ClinVar aggregate classification (germline): Uncertain significance (1 of 4 stars; one submission).

gnomAD v4.1: 9 of 1,612,768 alleles (0.00056%); highest among the groups gnomAD compares: Admixed American, 0.0017%; no homozygotes.

Submission:

Women's Health and Genetics/Laboratory Corporation of America, LabCorp
Classification: Uncertain significance. Last evaluated: 2024-10-28. Review status: criteria provided, single submitter. Criteria: LabCorp Variant Classification Summary - May 2015. Collection method: clinical testing. Allele origin: germline.
Comment: Variant summary: KDM6B c.2030C>T (p.Pro677Leu) results in a non-conservative amino acid change in the encoded protein sequence. Three of five in-silico tools predict a damaging effect of the variant on protein function. The variant allele was found at a frequency of 8e-06 in 248588 control chromosomes. The available data on variant occurrences in the general population are insufficient to allow any conclusion about variant significance. To our knowledge, no occurrence of c.2030C>T in individuals affected with Neurodevelopmental Disorder With Coarse Facies And Mild Distal Skeletal Abnormalities and no experimental evidence demonstrating its impact on protein function have been reported. No submitters have cited clinical-significance assessments for this variant to ClinVar. Based on the evidence outlined above, the variant was classified as uncertain significance.

NM_001348716.2(KDM6B):c.2030C>T (p.Pro677Leu)

Gene: KDM6B (lysine demethylase 6B; plus strand). Cytogenetic location: 17p13.1.
Variant type: single nucleotide variant.
Coding change: c.2030C>T on transcript NM_001348716.2 (MANE Select); coding-DNA position 2030, C replaced by T.
Protein change: p.Pro677Leu; replaces proline 677 with leucine.
Molecular consequence: missense variant.
Genome position (GRCh38, 1-based): chr17:7,848,318, C>T. VCF-style: chr17-7848318-C-T. GRCh37 (hg19) VCF-style: chr17-7751636-C-T.
Other names: c.2030C>T, p.Pro677Leu (NM_001080424.2); short protein forms P677L.
Identifiers: ClinVar variation 3385032 (VCV003385032.1).